The following is an entry in ClinVar:

NM_001909.5(CTSD):c.190G>A (p.Glu64Lys)

Genes: CTSD (cathepsin D; minus strand), PRADX (PRC2 and DDX5 associated lncRNA; plus strand). Cytogenetic location: 11p15.5.
Variant type: single nucleotide variant.
Coding change: c.190G>A on transcript NM_001909.5 (MANE Select); coding-DNA position 190, G replaced by A.
Protein change: p.Glu64Lys; replaces glutamic acid 64 with lysine.
Molecular consequence: missense variant.
Genome position (GRCh38, 1-based): chr11:1,761,347, C>T on the plus strand (G>A on the coding strand, the complement: CTSD is on the minus strand). VCF-style: chr11-1761347-C-T. GRCh37 (hg19) VCF-style: chr11-1782577-C-T.
Other names: short protein forms E64K.
Identifiers: ClinVar variation 575391 (VCV000575391.9), dbSNP rs539823013, ClinGen allele CA5814273.

ClinVar aggregate classification (germline): Uncertain significance (1 of 4 stars; one submission).

Conditions:
Neuronal ceroid lipofuscinosis. Also called: Neuronal Ceroid Lipofuscinoses. Identifiers: Orphanet 216, Orphanet 79263, MedGen C0027877, MONDO:0016295. Disease mechanism: loss of function.

Allele frequency attached by ClinVar (database versions not stated): TOPMed below 0.00001; gnomAD 0.00001 and 0.00002; gnomAD exomes 0.00002; ExAC 0.00004; 1000 Genomes Project 0.00040; 1000 Genomes Project 30x 0.00047.
gnomAD v4.1: 23 of 1,613,858 alleles (0.0014%); highest among the groups gnomAD compares: South Asian, 0.013%; no homozygotes.

Submission:

Labcorp Genetics (formerly Invitae), Labcorp
Classification: Uncertain significance for Neuronal ceroid lipofuscinosis. Last evaluated: 2024-02-23. Review status: criteria provided, single submitter. Criteria: Invitae Variant Classification Sherloc (09022015). Collection method: clinical testing. Allele origin: germline.
Comment: This sequence change replaces glutamic acid, which is acidic and polar, with lysine, which is basic and polar, at codon 64 of the CTSD protein (p.Glu64Lys). This variant is present in population databases (rs539823013, gnomAD 0.01%). This variant has not been reported in the literature in individuals affected with CTSD-related conditions. ClinVar contains an entry for this variant (Variation ID: 575391). Advanced modeling of protein sequence and biophysical properties (such as structural, functional, and spatial information, amino acid conservation, physicochemical variation, residue mobility, and thermodynamic stability) performed at Invitae indicates that this missense variant is not expected to disrupt CTSD protein function with a negative predictive value of 80%. In summary, the available evidence is currently insufficient to determine the role of this variant in disease. Therefore, it has been classified as a Variant of Uncertain Significance.